The following is an entry in ClinVar:

NM_002608.4(PDGFB):c.169G>C (p.Gly57Arg)

Gene: PDGFB (platelet derived growth factor subunit B; minus strand). Cytogenetic location: 22q13.1.
Variant type: single nucleotide variant.
Coding change: c.169G>C on transcript NM_002608.4 (MANE Select); coding-DNA position 169, G replaced by C.
Protein change: p.Gly57Arg; replaces glycine 57 with arginine.
Molecular consequence: missense variant.
Genome position (GRCh38, 1-based): chr22:39,233,516, C>G on the plus strand (G>C on the coding strand, the complement: PDGFB is on the minus strand). VCF-style: chr22-39233516-C-G. GRCh37 (hg19) VCF-style: chr22-39629521-C-G.
Other names: c.124G>C, p.Gly42Arg (NM_033016.3); short protein forms G42R, G57R.
Identifiers: ClinVar variation 1316457 (VCV001316457.2), dbSNP rs1165442073, ClinGen allele CA411602449.

ClinVar aggregate classification (germline): Uncertain significance (1 of 4 stars; one submission).

Allele frequency attached by ClinVar (database versions not stated): gnomAD exomes below 0.00001.
gnomAD v4.1: 1 of 1,588,020 alleles (0.000063%); highest among the groups gnomAD compares: African/African-American, 0.0014%; no homozygotes.

Submission:

GeneDx
Classification: Uncertain significance. Last evaluated: 2019-12-06. Review status: criteria provided, single submitter. Criteria: GeneDx Variant Classification Process June 2021. Collection method: clinical testing. Allele origin: germline. Affected: yes.
Comment: Not observed in large population cohorts (Lek et al., 2016); In silico analysis, which includes protein predictors and evolutionary conservation, supports that this variant does not alter protein structure/function; Has not been previously published as pathogenic or benign to our knowledge